The following is an entry in ClinVar:

NM_173495.3(PTCHD1):c.853C>G (p.Leu285Val)

Gene: PTCHD1 (patched domain containing 1; plus strand). Cytogenetic location: Xp22.11.
Variant type: single nucleotide variant.
Coding change: c.853C>G on transcript NM_173495.3 (MANE Select); coding-DNA position 853, C replaced by G.
Protein change: p.Leu285Val; replaces leucine 285 with valine.
Molecular consequence: missense variant.
Genome position (GRCh38, 1-based): chrX:23,380,092, C>G. VCF-style: chrX-23380092-C-G. GRCh37 (hg19) VCF-style: chrX-23398209-C-G.
Other names: short protein forms L285V.
Identifiers: ClinVar variation 1313729 (VCV001313729.3), dbSNP rs2146642061, ClinGen allele CA412580641.

ClinVar aggregate classification (germline): Uncertain significance (1 of 4 stars; one submission).

Allele frequency attached by ClinVar (database versions not stated): gnomAD exomes below 0.00001.
gnomAD v4.1: 2 of 1,211,943 alleles (0.00017%); highest among the groups gnomAD compares: Non-Finnish European, 0.00022%; no homozygotes.

Submission:

GeneDx
Classification: Uncertain significance. Last evaluated: 2024-12-07. Review status: criteria provided, single submitter. Criteria: GeneDx Variant Classification Process June 2021. Collection method: clinical testing. Allele origin: germline. Affected: yes.
Comment: Not observed at significant frequency in large population cohorts (gnomAD); In silico analysis indicates that this missense variant does not alter protein structure/function; Has not been previously published as pathogenic or benign to our knowledge